The following is an entry in ClinVar:

ClinVar aggregate classification (germline): Uncertain significance (1 of 4 stars; one submission).

Allele frequency attached by ClinVar (database versions not stated): gnomAD exomes below 0.00001.
gnomAD v4.1: 1 of 1,613,938 alleles (0.000062%); highest among the groups gnomAD compares: Non-Finnish European, 0.000085%; no homozygotes.

Submission:

Labcorp Genetics (formerly Invitae), Labcorp
Classification: Uncertain significance. Last evaluated: 2023-05-22. Review status: criteria provided, single submitter. Criteria: Invitae Variant Classification Sherloc (09022015). Collection method: clinical testing. Allele origin: germline.
Comment: This sequence change replaces proline, which is neutral and non-polar, with serine, which is neutral and polar, at codon 1186 of the ERBIN protein (p.Pro1186Ser). This variant is not present in population databases (gnomAD no frequency). This variant has not been reported in the literature in individuals affected with ERBIN-related conditions. An algorithm developed to predict the effect of missense changes on protein structure and function (PolyPhen-2) suggests that this variant is likely to be disruptive. In summary, the available evidence is currently insufficient to determine the role of this variant in disease. Therefore, it has been classified as a Variant of Uncertain Significance.

NM_001253697.2(ERBIN):c.3556C>T (p.Pro1186Ser)

Gene: ERBIN (erbb2 interacting protein; plus strand). Cytogenetic location: 5q12.3.
Variant type: single nucleotide variant.
Coding change: c.3556C>T on transcript NM_001253697.2 (MANE Select); coding-DNA position 3556, C replaced by T.
Protein change: p.Pro1186Ser; replaces proline 1186 with serine.
Molecular consequence: missense variant.
Genome position (GRCh38, 1-based): chr5:66,054,874, C>T. VCF-style: chr5-66054874-C-T. GRCh37 (hg19) VCF-style: chr5-65350702-C-T.
Other names: c.3556C>T, p.Pro1186Ser (NM_001253698.2, NM_001253699.2, NM_018695.4 and 1 more transcripts); c.3544C>T, p.Pro1182Ser (NM_001253701.2); short protein forms P1186S, P1182S.
Identifiers: ClinVar variation 2904086 (VCV002904086.3), dbSNP rs769046002, ClinGen allele CA359870088.